The following is an entry in ClinVar:

NM_021871.4(FGA):c.1366A>G (p.Thr456Ala)

Gene: FGA (fibrinogen alpha chain; minus strand). Cytogenetic location: 4q31.3.
Variant type: single nucleotide variant.
Coding change: c.1366A>G on transcript NM_021871.4 (MANE Select); coding-DNA position 1366, A replaced by G.
Protein change: p.Thr456Ala; replaces threonine 456 with alanine.
Molecular consequence: missense variant.
Genome position (GRCh38, 1-based): chr4:154,586,063, T>C on the plus strand (A>G on the coding strand, the complement: FGA is on the minus strand). VCF-style: chr4-154586063-T-C. GRCh37 (hg19) VCF-style: chr4-155507215-T-C.
Other names: c.1366A>G, p.Thr456Ala (NM_000508.5); c.1366A>G (NM_000508.4); short protein forms T456A.
Identifiers: ClinVar variation 783428 (VCV000783428.12), dbSNP rs2070031, ClinGen allele CA3115100.

ClinVar aggregate classification (germline): Benign/Likely benign. Review status: criteria provided, multiple submitters, no conflicts (2 of 4 stars). 6 submissions from 5 submitters: Benign (3); Likely benign (1). 2 of the submissions do not count toward it. Last evaluated 2024-01-26.

Conditions:
FGA-related disorder. Also called: FGA-related disorders; FGA-related condition.
Thrombocytopenia. Identifiers: MedGen C0040034, MeSH D013921, MONDO:0002049, HP:0001873.
Abnormal bleeding. Also called: Bleeding diathesis. Identifiers: MedGen C1458140, HP:0001892.
Congenital afibrinogenemia. Identifiers: Orphanet 335, Orphanet 98880, MedGen C2584774, MONDO:0008737, OMIM 202400.
Familial visceral amyloidosis, Ostertag type (AMYLD2). Also called: AMYLOIDOSIS VIII; Ostertag type amyloidosis; Amyloidosis, hepatic and systemic; AMYLOIDOSIS, HEREDITARY SYSTEMIC 2; Hereditary Renal Amyloidosis; Familial visceral amyloidosis. Identifiers: Orphanet 85450, MedGen C0268389, MONDO:0007099, OMIM 105200.

Allele frequency attached by ClinVar (database versions not stated): gnomAD exomes 0.00025 and 0.00070; 1000 Genomes Project 30x 0.00078; ExAC 0.00090; 1000 Genomes Project 0.00100; ESP Exome Variant Server 0.00223; gnomAD 0.00239 and 0.00262; TOPMed 0.00267.
gnomAD v4.1: 759 of 1,614,134 alleles (0.047%); highest among the groups gnomAD compares: African/African-American, 0.86%; 1 homozygote.

Submissions (6):

Women's Health and Genetics/Laboratory Corporation of America, LabCorp
Classification: Benign. Last evaluated: 2024-01-26. Review status: criteria provided, single submitter. Criteria: LabCorp Variant Classification Summary - May 2015. Collection method: clinical testing. Allele origin: germline.
Comment: Variant summary: FGA c.1366A>G (p.Thr456Ala) results in a non-conservative amino acid change located in the C domain (IPR021996) of the encoded protein sequence. Three of five in-silico tools predict a benign effect of the variant on protein function. The variant allele was found at a frequency of 0.0007 in 251250 control chromosomes, predominantly at a frequency of 0.0092 within the African or African-American subpopulation in the gnomAD database, including 1 homozygote. The high frequency suggests that the variant is likely not associated with disease. To our knowledge, no occurrence of c.1366A>G in individuals affected with Dysfibrinogenemia, Congenital and no experimental evidence demonstrating its impact on protein function have been reported. ClinVar contains an entry for this variant (Variation ID: 783428). Based on the evidence outlined above, the variant was classified as benign.

Labcorp Genetics (formerly Invitae), Labcorp
Classification: Benign. Last evaluated: 2019-12-31. Review status: criteria provided, single submitter. Criteria: Invitae Variant Classification Sherloc (09022015). Collection method: clinical testing. Allele origin: germline.

Illumina Laboratory Services, Illumina
Classification: Likely benign for Congenital afibrinogenemia. Last evaluated: 2018-01-13. Review status: criteria provided, single submitter. Criteria: ICSL Variant Classification Criteria 13 December 2019. Collection method: clinical testing. Allele origin: germline.
Comment: This variant was observed in the ICSL laboratory as part of a predisposition screen in an ostensibly healthy population. It had not been previously curated by ICSL or reported in the Human Gene Mutation Database (HGMD: prior to June 1st, 2018), and was therefore a candidate for classification through an automated scoring system. Utilizing variant allele frequency, disease prevalence and penetrance estimates, and inheritance mode, an automated score was calculated to assess if this variant is too frequent to cause the disease. Based on the score and internal cut-off values, a variant classified as likely benign is not then subjected to further curation. The score for this variant resulted in a classification of likely benign for this disease.

Illumina Laboratory Services, Illumina
Classification: Benign for Familial visceral amyloidosis, Ostertag type. Last evaluated: 2018-01-13. Review status: criteria provided, single submitter. Criteria: ICSL Variant Classification Criteria 13 December 2019. Collection method: clinical testing. Allele origin: germline.
Comment: This variant was observed in the ICSL laboratory as part of a predisposition screen in an ostensibly healthy population. It had not been previously curated by ICSL or reported in the Human Gene Mutation Database (HGMD: prior to June 1st, 2018), and was therefore a candidate for classification through an automated scoring system. Utilizing variant allele frequency, disease prevalence and penetrance estimates, and inheritance mode, an automated score was calculated to assess if this variant is too frequent to cause the disease. Based on the score and internal cut-off values, a variant classified as benign is not then subjected to further curation. The score for this variant resulted in a classification of benign for this disease.

Birmingham Platelet Group; University of Birmingham
Classification: Uncertain significance for Thrombocytopenia; Abnormal bleeding. Last evaluated: 2020-05-01. Review status: no assertion criteria provided. Collection method: research. Allele origin: germline. Affected: yes. Not counted in ClinVar's aggregate classification.

PreventionGenetics, part of Exact Sciences
Classification: Benign for FGA-related condition. Last evaluated: 2020-03-09. Review status: no assertion criteria provided. Collection method: clinical testing. Allele origin: germline. Not counted in ClinVar's aggregate classification.
Comment: This variant is classified as benign based on ACMG/AMP sequence variant interpretation guidelines (Richards et al. 2015 PMID: 25741868, with internal and published modifications).